The following is an entry in ClinVar:

NM_000257.4(MYH7):c.3492C>G (p.Asn1164Lys)

Gene: MYH7 (myosin heavy chain 7; minus strand). Cytogenetic location: 14q11.2.
Variant type: single nucleotide variant.
Coding change: c.3492C>G on transcript NM_000257.4 (MANE Select); coding-DNA position 3492, C replaced by G.
Protein change: p.Asn1164Lys; replaces asparagine 1164 with lysine.
Molecular consequence: missense variant.
Genome position (GRCh38, 1-based): chr14:23,420,079, G>C on the plus strand (C>G on the coding strand, the complement: MYH7 is on the minus strand). VCF-style: chr14-23420079-G-C. GRCh37 (hg19) VCF-style: chr14-23889288-G-C.
Other names: c.3492C>G, p.Asn1164Lys (NM_001407004.1); short protein forms N1164K.
Identifiers: ClinVar variation 1929148 (VCV001929148.5), dbSNP rs730880777, ClinGen allele CA389043709.

ClinVar aggregate classification (germline): Uncertain significance (1 of 4 stars; one submission).

Conditions:
Hypertrophic cardiomyopathy. Also called: HYPERTROPHIC MYOCARDIOPATHY. Identifiers: Orphanet 217569, MedGen C0007194, MeSH D002312, MONDO:0005045, HP:0001639.

Submission:

Labcorp Genetics (formerly Invitae), Labcorp
Classification: Uncertain significance for Hypertrophic cardiomyopathy. Last evaluated: 2024-02-19. Review status: criteria provided, single submitter. Criteria: Invitae Variant Classification Sherloc (09022015). Collection method: clinical testing. Allele origin: germline.
Comment: This sequence change replaces asparagine, which is neutral and polar, with lysine, which is basic and polar, at codon 1164 of the MYH7 protein (p.Asn1164Lys). This variant is not present in population databases (gnomAD no frequency). This variant has not been reported in the literature in individuals affected with MYH7-related conditions. ClinVar contains an entry for this variant (Variation ID: 1929148). Advanced modeling of protein sequence and biophysical properties (such as structural, functional, and spatial information, amino acid conservation, physicochemical variation, residue mobility, and thermodynamic stability) performed at Invitae indicates that this missense variant is expected to disrupt MYH7 protein function with a positive predictive value of 95%. In summary, the available evidence is currently insufficient to determine the role of this variant in disease. Therefore, it has been classified as a Variant of Uncertain Significance.